The following is an entry in ClinVar:

ClinVar aggregate classification (germline): Uncertain significance. Review status: criteria provided, single submitter (1 of 4 stars). 2 submissions from 2 submitters: Uncertain significance (1). 1 of the submissions does not count toward it. Last evaluated 2022-05-10.

Conditions:
Polycystic kidney disease. Also called: Kidney, Polycystic; Polycystic kidney dysplasia. Identifiers: MedGen C0022680, MeSH D007690, MONDO:0020642, HP:0000113.

Submissions (2):

Blueprint Genetics
Classification: Uncertain significance. Last evaluated: 2022-05-10. Review status: criteria provided, single submitter. Criteria: ACMG Guidelines, 2015. Collection method: clinical testing. Allele origin: germline.

Department of Pathology and Laboratory Medicine, Sinai Health System
Classification: Uncertain significance for Polycystic Kidney disease. Review status: no assertion criteria provided. Collection method: clinical testing. Allele origin: unknown. Affected: yes. Study: The Canadian Open Genetics Repository (COGR). Not counted in ClinVar's aggregate classification.
Comment: The PKD1 p.Cys3084Tyr variant was not identified in the literature nor was it identified in the dbSNP, ClinVar, LOVD 3.0, ADPKD Mutation, or PKD1-LOVD databases. The variant was not identified in the following control databases: the Exome Aggregation Consortium (August 8th 2016), or the Genome Aggregation Database (Feb 27, 2017). The p.Cys3084 residue is conserved in mammals but not in more distantly related organisms, and four out of five computational analyses (PolyPhen-2, SIFT, AlignGVGD, BLOSUM, MutationTaster) suggest that the variant may impact the protein; however, this information is not predictive enough to assume pathogenicity. The variant occurs outside of the splicing consensus sequence and in silico or computational prediction software programs (SpliceSiteFinder, MaxEntScan, NNSPLICE, GeneSplicer) do not predict a difference in splicing. In summary, based on the above information the clinical significance of this variant cannot be determined with certainty at this time. This variant is classified as a variant of uncertain significance.

NM_001009944.3(PKD1):c.9251G>A (p.Cys3084Tyr)

Gene: PKD1 (polycystin 1, transient receptor potential channel interacting; minus strand). Cytogenetic location: 16p13.3.
Variant type: single nucleotide variant.
Coding change: c.9251G>A on transcript NM_001009944.3 (MANE Select); coding-DNA position 9251, G replaced by A.
Protein change: p.Cys3084Tyr; replaces cysteine 3084 with tyrosine.
Molecular consequence: missense variant.
Genome position (GRCh38, 1-based): chr16:2,102,207, C>T on the plus strand (G>A on the coding strand, the complement: PKD1 is on the minus strand). VCF-style: chr16-2102207-C-T. GRCh37 (hg19) VCF-style: chr16-2152208-C-T.
Other names: c.9251G>A, p.Cys3084Tyr (NM_000296.4); short protein forms C3084Y.
Identifiers: ClinVar variation 997199 (VCV000997199.2), dbSNP rs2092123424, ClinGen allele CA394358161.
Genomic context (GRCh38, chr16:2,102,207, plus strand): 5'-CTGGCATCCAACTGGTCCAGCTTGTGCAGGATGGCGGCCATGACCATGTAGGTCACCAGG[C>T]ACACAGCACATGTCAGCATGACGATGTAGTTTACATCCGCTGTCGGCTCCTGTGAGGACA-3'
Protein context (NP_001009944.3, residues 3074-3094): NYIVMLTCAV[Cys3084Tyr]LVTYMVMAAI